The following is an entry in ClinVar:

ClinVar aggregate classification (germline): Uncertain significance. Review status: criteria provided, multiple submitters, no conflicts (2 of 4 stars). 5 submissions from 5 submitters: Uncertain significance (5). Last evaluated 2025-12-15.

Conditions:
Hereditary cancer-predisposing syndrome. Also called: Neoplastic Syndromes, Hereditary; Hereditary neoplastic syndrome; Tumor predisposition; Hereditary Cancer Syndrome. Identifiers: Orphanet 140162, MedGen C0027672, MeSH D009386, MONDO:0015356.
Birt-Hogg-Dube syndrome. Also called: Birt Hogg Dubé syndrome. Identifiers: Orphanet 122, MedGen C0346010, MONDO:0800444.
Familial spontaneous pneumothorax (PSP). Identifiers: Orphanet 2903, MedGen C1868193, MONDO:0008259, OMIM 173600.
Birt-Hogg-Dube syndrome 1 (BHD1). Also called: FIBROFOLLICULOMAS WITH TRICHODISCOMAS AND ACROCHORDONS. Identifiers: Orphanet 122, MedGen CN375946, MONDO:0800445, OMIM 135150.
Colorectal cancer. Also called: Colorectal cancer, somatic; Malignant Colorectal Neoplasm. Identifiers: MedGen C0346629, MONDO:0005575, OMIM 114500.
Nonpapillary renal cell carcinoma. Identifiers: Orphanet 422526, MedGen CN074294, MONDO:0007763, OMIM 144700.

Allele frequency attached by ClinVar (database versions not stated): gnomAD 0.00001; TOPMed 0.00001.
gnomAD v4.1: 2 of 1,592,100 alleles (0.00013%); highest among the groups gnomAD compares: Non-Finnish European, 0.00017%; no homozygotes.

Submissions (5):

Ambry Genetics
Classification: Uncertain significance for Hereditary cancer-predisposing syndrome. Last evaluated: 2025-12-15. Review status: criteria provided, single submitter. Criteria: Ambry Variant Classification Scheme 2023. Collection method: clinical testing. Allele origin: germline.
Comment: The p.R137H variant (also known as c.410G>A), located in coding exon 3 of the FLCN gene, results from a G to A substitution at nucleotide position 410. The arginine at codon 137 is replaced by histidine, an amino acid with highly similar properties. This amino acid position is highly conserved in available vertebrate species. In addition, this alteration is predicted to be deleterious by in silico analysis. Since supporting evidence is limited at this time, the clinical significance of this alteration remains unclear.

Labcorp Genetics (formerly Invitae), Labcorp
Classification: Uncertain significance for Birt-Hogg-Dube syndrome. Last evaluated: 2025-07-30. Review status: criteria provided, single submitter. Criteria: Invitae Variant Classification Sherloc (09022015). Collection method: clinical testing. Allele origin: germline.
Comment: This sequence change replaces arginine, which is basic and polar, with histidine, which is basic and polar, at codon 137 of the FLCN protein (p.Arg137His). This variant is not present in population databases (gnomAD no frequency). This variant has not been reported in the literature in individuals affected with FLCN-related conditions. ClinVar contains an entry for this variant (Variation ID: 565593). Invitae Evidence Modeling of protein sequence and biophysical properties (such as structural, functional, and spatial information, amino acid conservation, physicochemical variation, residue mobility, and thermodynamic stability) indicates that this missense variant is expected to disrupt FLCN protein function with a positive predictive value of 80%. In summary, the available evidence is currently insufficient to determine the role of this variant in disease. Therefore, it has been classified as a Variant of Uncertain Significance.

Center for Genomic Medicine, Rigshospitalet, Copenhagen University Hospital
Classification: Uncertain significance. Last evaluated: 2025-03-04. Review status: criteria provided, single submitter. Criteria: ACMG Guidelines, 2015. Collection method: clinical testing. Allele origin: germline.

Fulgent Genetics
Classification: Uncertain significance for Colorectal cancer; Birt-Hogg-Dube syndrome 1; Nonpapillary renal cell carcinoma; Familial spontaneous pneumothorax. Last evaluated: 2024-06-17. Review status: criteria provided, single submitter. Criteria: ACMG Guidelines, 2015. Collection method: clinical testing. Allele origin: germline.

Baylor Genetics
Classification: Uncertain significance for Birt-Hogg-Dube syndrome 1. Last evaluated: 2023-09-26. Review status: criteria provided, single submitter. Criteria: ACMG Guidelines, 2015. Collection method: clinical testing. Allele origin: unknown.

NM_144997.7(FLCN):c.410G>A (p.Arg137His)

Gene: FLCN (folliculin; minus strand). Cytogenetic location: 17p11.2.
Variant type: single nucleotide variant.
Coding change: c.410G>A on transcript NM_144997.7 (MANE Select); coding-DNA position 410, G replaced by A.
Protein change: p.Arg137His; replaces arginine 137 with histidine.
Molecular consequence: missense variant.
Genome position (GRCh38, 1-based): chr17:17,224,130, C>T on the plus strand (G>A on the coding strand, the complement: FLCN is on the minus strand). VCF-style: chr17-17224130-C-T. GRCh37 (hg19) VCF-style: chr17-17127444-C-T.
Other names: c.464G>A, p.Arg155His (NM_001353229.2); c.410G>A, p.Arg137His (NM_001353230.2, NM_001353231.2, NM_144606.7); c.410G>A (LRG_325t1); short protein forms R137H, R155H.
Identifiers: ClinVar variation 565593 (VCV000565593.22), dbSNP rs1289872207, ClinGen allele CA398534628.